The following is an entry in ClinVar:

NM_000702.4(ATP1A2):c.2229C>T (p.Ala743=)

Gene: ATP1A2 (ATPase Na+/K+ transporting subunit alpha 2; plus strand). Cytogenetic location: 1q23.2.
Variant type: single nucleotide variant.
Coding change: c.2229C>T on transcript NM_000702.4 (MANE Select); coding-DNA position 2229, C replaced by T.
Protein change: p.Ala743=; no amino-acid change (alanine 743 retained).
Molecular consequence: synonymous variant.
Genome position (GRCh38, 1-based): chr1:160,135,547, C>T. VCF-style: chr1-160135547-C-T. GRCh37 (hg19) VCF-style: chr1-160105337-C-T.
Identifiers: ClinVar variation 698593 (VCV000698593.15), dbSNP rs138381089, ClinGen allele CA1194692.

ClinVar aggregate classification (germline): Likely benign. Review status: criteria provided, multiple submitters, no conflicts (2 of 4 stars). 4 submissions from 4 submitters: Likely benign (3). 1 of the submissions does not count toward it. Last evaluated 2026-05-01.

Conditions:
Familial hemiplegic migraine. Identifiers: MedGen C0338484, MONDO:0000700.
ATP1A2-related disorder. Also called: ATP1A2-RELATED DISORDERS; ATP1A2-related condition.

Allele frequency attached by ClinVar (database versions not stated): ExAC 0.00012; gnomAD 0.00017 and 0.00021; ESP Exome Variant Server 0.00023; TOPMed 0.00031.
gnomAD v4.1: 82 of 1,614,134 alleles (0.0051%); highest among the groups gnomAD compares: African/African-American, 0.056%; no homozygotes.

Submissions (4):

CeGaT Center for Human Genetics Tuebingen
Classification: Likely benign. Last evaluated: 2026-05-01. Review status: criteria provided, single submitter. Criteria: CeGaT Center For Human Genetics Tuebingen Variant Classification Criteria Version 2. Collection method: clinical testing. Allele origin: germline. Affected: yes. Observed: 1 variant allele.
Comment: ATP1A2: BP4, BP7

Labcorp Genetics (formerly Invitae), Labcorp
Classification: Likely benign for Familial hemiplegic migraine. Last evaluated: 2025-11-19. Review status: criteria provided, single submitter. Criteria: Invitae Variant Classification Sherloc (09022015). Collection method: clinical testing. Allele origin: germline.

Blueprint Genetics
Classification: Likely benign. Last evaluated: 2022-09-15. Review status: criteria provided, single submitter. Criteria: ACMG Guidelines, 2015. Collection method: clinical testing. Allele origin: germline.

PreventionGenetics, part of Exact Sciences
Classification: Likely benign for ATP1A2-related condition. Last evaluated: 2020-01-28. Review status: no assertion criteria provided. Collection method: clinical testing. Allele origin: germline. Not counted in ClinVar's aggregate classification.
Comment: This variant is classified as likely benign based on ACMG/AMP sequence variant interpretation guidelines (Richards et al. 2015 PMID: 25741868, with internal and published modifications).